The following is an entry in ClinVar:

NM_006983.2(MMP23B):c.924C>T (p.Thr308=)

Gene: MMP23B (matrix metallopeptidase 23B; plus strand). Cytogenetic location: 1p36.33.
Variant type: single nucleotide variant.
Coding change: c.924C>T on transcript NM_006983.2 (MANE Select); coding-DNA position 924, C replaced by T.
Protein change: p.Thr308=; no amino-acid change (threonine 308 retained).
Molecular consequence: synonymous variant.
Genome position (GRCh38, 1-based): chr1:1,634,254, C>T. VCF-style: chr1-1634254-C-T. GRCh37 (hg19) VCF-style: chr1-1569633-C-T.
Identifiers: ClinVar variation 2638049 (VCV002638049.24), dbSNP rs569520207, ClinGen allele CA528459.

ClinVar aggregate classification (germline): Likely benign (1 of 4 stars; one submission).

Allele frequency attached by ClinVar (database versions not stated): 1000 Genomes Project 0.00040; ExAC 0.04487.

Submission:

CeGaT Center for Human Genetics Tuebingen
Classification: Likely benign. Last evaluated: 2026-09-01. Review status: criteria provided, single submitter. Criteria: CeGaT Center For Human Genetics Tuebingen Variant Classification Criteria Version 2. Collection method: clinical testing. Allele origin: germline. Affected: yes. Observed: 9 variant alleles.
Comment: MMP23B: BP4, BP7